The following is an entry in ClinVar:

NM_004415.4(DSP):c.4261G>A (p.Glu1421Lys)

Gene: DSP (desmoplakin; plus strand). Cytogenetic location: 6p24.3.
Variant type: single nucleotide variant.
Coding change: c.4261G>A on transcript NM_004415.4 (MANE Select); coding-DNA position 4261, G replaced by A.
Protein change: p.Glu1421Lys; replaces glutamic acid 1421 with lysine.
Molecular consequence: missense variant. On other transcripts: intron variant (2).
Genome position (GRCh38, 1-based): chr6:7,580,451, G>A. VCF-style: chr6-7580451-G-A. GRCh37 (hg19) VCF-style: chr6-7580684-G-A.
Other names: c.4050+211G>A (NM_001319034.2); c.3582+679G>A (NM_001008844.3); short protein forms E1421K.
Identifiers: ClinVar variation 1037536 (VCV001037536.15), dbSNP rs769965019, ClinGen allele CA133969454.

ClinVar aggregate classification (germline): Uncertain significance. Review status: criteria provided, multiple submitters, no conflicts (2 of 4 stars). 5 submissions from 5 submitters: Uncertain significance (5). Last evaluated 2025-07-16.

Conditions:
Cardiovascular phenotype. Identifiers: MedGen CN230736.
Arrhythmogenic cardiomyopathy with wooly hair and keratoderma. Also called: PALMOPLANTAR KERATODERMA WITH LEFT VENTRICULAR CARDIOMYOPATHY AND WOOLLY HAIR; Dilated cardiomyopathy with woolly hair and keratoderma; Arrhythmogenic cardiomyopathy with woolly hair and keratoderma; Carvajal syndrome. Identifiers: Orphanet 65282, MedGen C1854063, MONDO:0011581, OMIM 605676.
Arrhythmogenic right ventricular dysplasia 8 (ARVD8). Also called: ARRHYTHMOGENIC RIGHT VENTRICULAR DYSPLASIA, FAMILIAL, 8; Arrhythmogenic Right Ventricular Dysplasia/Cardiomyopathy 8; ARRHYTHMOGENIC RIGHT VENTRICULAR CARDIOMYOPATHY 8. Identifiers: MedGen C1843896, MONDO:0011831, OMIM 607450.
Cardiomyopathy (CMYO). Also called: Cardiomyopathies. Identifiers: Orphanet 167848, MedGen C0878544, MONDO:0004994, HP:0001638. Inheritance: Various modes of inheritance.

Allele frequency attached by ClinVar (database versions not stated): gnomAD exomes below 0.00001.

Submissions (5):

Labcorp Genetics (formerly Invitae), Labcorp
Classification: Uncertain significance for Arrhythmogenic cardiomyopathy with wooly hair and keratoderma; Arrhythmogenic right ventricular dysplasia 8. Last evaluated: 2025-07-16. Review status: criteria provided, single submitter. Criteria: Invitae Variant Classification Sherloc (09022015). Collection method: clinical testing. Allele origin: germline.
Comment: This sequence change replaces glutamic acid, which is acidic and polar, with lysine, which is basic and polar, at codon 1421 of the DSP protein (p.Glu1421Lys). This variant is present in population databases (rs769965019, gnomAD 0.0009%). This variant has not been reported in the literature in individuals affected with DSP-related conditions. ClinVar contains an entry for this variant (Variation ID: 1037536). An algorithm developed to predict the effect of missense changes on protein structure and function (PolyPhen-2) suggests that this variant is likely to be tolerated. In summary, the available evidence is currently insufficient to determine the role of this variant in disease. Therefore, it has been classified as a Variant of Uncertain Significance.

Color Diagnostics, LLC DBA Color Health
Classification: Uncertain significance for Cardiomyopathy. Last evaluated: 2024-03-07. Review status: criteria provided, single submitter. Criteria: ACMG Guidelines, 2015. Collection method: clinical testing. Allele origin: germline.
Comment: This missense variant replaces glutamic acid with lysine at codon 1421 of the DSP protein. Computational prediction suggests that this variant may not impact protein structure and function (internally defined REVEL score threshold <= 0.5, PMID: 27666373). To our knowledge, functional studies have not been reported for this variant. This variant has not been reported in individuals affected with cardiovascular disorders in the literature. This variant has been identified in 1/251284 chromosomes in the general population by the Genome Aggregation Database (gnomAD). The available evidence is insufficient to determine the role of this variant in disease conclusively. Therefore, this variant is classified as a Variant of Uncertain Significance.

All of Us Research Program, National Institutes of Health
Classification: Uncertain significance for Arrhythmogenic cardiomyopathy with wooly hair and keratoderma. Last evaluated: 2023-11-02. Review status: criteria provided, single submitter. Criteria: ACMG Guidelines, 2015. Collection method: clinical testing. Allele origin: germline. Inheritance: Autosomal dominant inheritance. Observed: 3 variant alleles, 3 heterozygotes.
Comment: This missense variant replaces glutamic acid with lysine at codon 1421 of the DSP protein. Computational prediction suggests that this variant may not impact protein structure and function (internally defined REVEL score threshold <= 0.5, PMID: 27666373). To our knowledge, functional studies have not been reported for this variant. This variant has not been reported in individuals affected with cardiovascular disorders in the literature. This variant has been identified in 1/251284 chromosomes in the general population by the Genome Aggregation Database (gnomAD). The available evidence is insufficient to determine the role of this variant in disease conclusively. Therefore, this variant is classified as a Variant of Uncertain Significance.

This study involves interpretation of variants in research participants for the purpose of population health screening. Participant phenotype was not available at the time of variant classification. Additional details can be found in publication PMID: 35346344, PMCID: PMC8962531

GeneDx
Classification: Uncertain significance. Last evaluated: 2023-03-28. Review status: criteria provided, single submitter. Criteria: GeneDx Variant Classification Process June 2021. Collection method: clinical testing. Allele origin: germline. Affected: yes.
Comment: Has not been previously published as pathogenic or benign to our knowledge; Not observed at significant frequency in large population cohorts (gnomAD); In silico analysis supports that this missense variant does not alter protein structure/function

Ambry Genetics
Classification: Uncertain significance for Cardiovascular phenotype. Last evaluated: 2022-08-20. Review status: criteria provided, single submitter. Criteria: Ambry Variant Classification Scheme 2023. Collection method: clinical testing. Allele origin: germline.
Comment: The p.E1421K variant (also known as c.4261G>A), located in coding exon 23 of the DSP gene, results from a G to A substitution at nucleotide position 4261. The glutamic acid at codon 1421 is replaced by lysine, an amino acid with similar properties. This amino acid position is conserved. In addition, the in silico prediction for this alteration is inconclusive. Since supporting evidence is limited at this time, the clinical significance of this alteration remains unclear.